The following is an entry in ClinVar:

ClinVar aggregate classification (germline): Uncertain significance. Review status: criteria provided, multiple submitters, no conflicts (2 of 4 stars). 2 submissions from 2 submitters: Uncertain significance (2). Last evaluated 2021-08-31.

Conditions:
Martsolf syndrome (MARTS). Also called: Congenital cataract with intellectual disability and hypogonadotropic hypogonadism syndrome. Identifiers: Orphanet 1387, MedGen C0796037, MONDO:0023910.
Warburg micro syndrome 2 (WARBM2). Also called: MICRO SYNDROME 2. Identifiers: Orphanet 2510, MedGen C3280214, MONDO:0013641, OMIM 614225.

Allele frequency attached by ClinVar (database versions not stated): gnomAD 0.00001 and 0.00003; TOPMed 0.00001; gnomAD exomes 0.00008 and 0.00015; ExAC 0.00018.
gnomAD v4.1: 111 of 1,614,024 alleles (0.0069%); highest among the groups gnomAD compares: South Asian, 0.1%; no homozygotes.

Submissions (2):

Labcorp Genetics (formerly Invitae), Labcorp
Classification: Uncertain significance for Martsolf syndrome; Warburg micro syndrome 2. Last evaluated: 2021-08-31. Review status: criteria provided, single submitter. Criteria: Invitae Variant Classification Sherloc (09022015). Collection method: clinical testing. Allele origin: germline.
Comment: This sequence change replaces aspartic acid with asparagine at codon 1010 of the RAB3GAP2 protein (p.Asp1010Asn). The aspartic acid residue is moderately conserved and there is a small physicochemical difference between aspartic acid and asparagine. This variant is present in population databases (rs763047721, ExAC 0.1%). This variant has not been reported in the literature in individuals affected with RAB3GAP2-related conditions. ClinVar contains an entry for this variant (Variation ID: 436475). Algorithms developed to predict the effect of missense changes on protein structure and function are either unavailable or do not agree on the potential impact of this missense change (SIFT: "Tolerated"; PolyPhen-2: "Possibly Damaging"; Align-GVGD: "Class C0"). In summary, the available evidence is currently insufficient to determine the role of this variant in disease. Therefore, it has been classified as a Variant of Uncertain Significance.

Genetic Services Laboratory, University of Chicago
Classification: Uncertain significance. Last evaluated: 2017-03-23. Review status: criteria provided, single submitter. Criteria: ACMG Guidelines, 2015. Collection method: clinical testing. Allele origin: germline. Affected: no.

NM_012414.4(RAB3GAP2):c.3028G>A (p.Asp1010Asn)

Gene: RAB3GAP2 (RAB3 GTPase activating non-catalytic protein subunit 2; minus strand). Cytogenetic location: 1q41.
Variant type: single nucleotide variant.
Coding change: c.3028G>A on transcript NM_012414.4 (MANE Select); coding-DNA position 3028, G replaced by A.
Protein change: p.Asp1010Asn; replaces aspartic acid 1010 with asparagine.
Molecular consequence: missense variant.
Genome position (GRCh38, 1-based): chr1:220,167,352, C>T on the plus strand (G>A on the coding strand, the complement: RAB3GAP2 is on the minus strand). VCF-style: chr1-220167352-C-T. GRCh37 (hg19) VCF-style: chr1-220340694-C-T.
Other names: short protein forms D1010N.
Identifiers: ClinVar variation 436475 (VCV000436475.10), dbSNP rs763047721, ClinGen allele CA1402280.